The following is an entry in ClinVar:

ClinVar aggregate classification (germline): Pathogenic (1 of 4 stars; one submission).

Submission:

GeneDx
Classification: Pathogenic. Last evaluated: 2025-12-29. Review status: criteria provided, single submitter. Criteria: GeneDx Variant Classification Process June 2021. Collection method: clinical testing. Allele origin: germline.
Comment: Not observed at significant frequency in large population cohorts (gnomAD); In silico analysis supports that this missense variant has a deleterious effect on protein structure/function; Has not been previously published as pathogenic or benign to our knowledge

NM_032188.3(KAT8):c.322C>T (p.Arg108Trp)

Gene: KAT8 (lysine acetyltransferase 8; plus strand). Cytogenetic location: 16p11.2.
Variant type: single nucleotide variant.
Coding change: c.322C>T on transcript NM_032188.3 (MANE Select); coding-DNA position 322, C replaced by T.
Protein change: p.Arg108Trp; replaces arginine 108 with tryptophan.
Molecular consequence: missense variant.
Genome position (GRCh38, 1-based): chr16:31,120,374, C>T. VCF-style: chr16-31120374-C-T. GRCh37 (hg19) VCF-style: chr16-31131695-C-T.
Other names: c.322C>T, p.Arg108Trp (NM_182958.4); short protein forms R108W.
Identifiers: ClinVar variation 3343475 (VCV003343475.2).
Genomic context (GRCh38, chr16:31,120,374, plus strand): 5'-GCACTCTTATGGCCCATACTTACAGTTAACCGGCGGCTGGACGAGTGGGTAGACAAGAAC[C>T]GGCTGGCGCTGACCAAGACAGTGAAGGATGCTGTACAGAAGAACTCAGAGAAGTACCTGA-3'
Protein context (NP_115564.2, residues 98-118): RRLDEWVDKN[Arg108Trp]LALTKTVKDA